The following is an entry in ClinVar:

ClinVar aggregate classification (germline): Conflicting classifications of pathogenicity. Review status: criteria provided, conflicting classifications (1 of 4 stars). 4 submissions from 4 submitters: Uncertain significance (1); Likely benign (3). Last evaluated 2025-12-05.

Conditions:
Hereditary cancer-predisposing syndrome. Also called: Neoplastic Syndromes, Hereditary; Tumor predisposition; Hereditary Cancer Syndrome; Hereditary neoplastic syndrome. Identifiers: Orphanet 140162, MedGen C0027672, MeSH D009386, MONDO:0015356.

Allele frequency attached by ClinVar (database versions not stated): gnomAD exomes 0.00001; TOPMed 0.00001.
gnomAD v4.1: 10 of 1,592,708 alleles (0.00063%); highest among the groups gnomAD compares: Non-Finnish European, 0.00086%; no homozygotes.

Submissions (4):

Labcorp Genetics (formerly Invitae), Labcorp
Classification: Likely benign. Last evaluated: 2025-12-05. Review status: criteria provided, single submitter. Criteria: Invitae Variant Classification Sherloc (09022015). Collection method: clinical testing. Allele origin: germline.

Blueprint Genetics
Classification: Likely benign. Last evaluated: 2024-11-22. Review status: criteria provided, single submitter. Criteria: ACMG Guidelines, 2015. Collection method: clinical testing. Allele origin: germline.

GeneDx
Classification: Uncertain significance. Last evaluated: 2024-10-07. Review status: criteria provided, single submitter. Criteria: GeneDx Variant Classification Process June 2021. Collection method: clinical testing. Allele origin: germline. Affected: yes.
Comment: Not observed at significant frequency in large population cohorts (gnomAD); In silico analysis indicates that this variant does not alter splicing; Has not been previously published as pathogenic or benign to our knowledge

Ambry Genetics
Classification: Likely benign for Hereditary cancer-predisposing syndrome. Last evaluated: 2019-11-22. Review status: criteria provided, single submitter. Criteria: Ambry Variant Classification Scheme 2023. Collection method: clinical testing. Allele origin: germline.

NM_003073.5(SMARCB1):c.87C>T (p.Gly29=)

Gene: SMARCB1 (SWI/SNF related BAF chromatin remodeling complex subunit B1; plus strand). Cytogenetic location: 22q11.23.
Variant type: single nucleotide variant.
Coding change: c.87C>T on transcript NM_003073.5 (MANE Select); coding-DNA position 87, C replaced by T.
Protein change: p.Gly29=; no amino-acid change (glycine 29 retained).
Molecular consequence: synonymous variant.
Genome position (GRCh38, 1-based): chr22:23,787,256, C>T. VCF-style: chr22-23787256-C-T. GRCh37 (hg19) VCF-style: chr22-24129443-C-T.
Other names: c.87C>T, p.Gly29= (NM_001007468.3, NM_001317946.2, NM_001362877.2).
Identifiers: ClinVar variation 822745 (VCV000822745.15), dbSNP rs1601382677, ClinGen allele CA513764759.